The following is an entry in ClinVar:

NM_003906.5(MCM3AP):c.1495G>A (p.Ala499Thr)

Gene: MCM3AP (minichromosome maintenance complex component 3 associated protein; minus strand). Cytogenetic location: 21q22.3.
Variant type: single nucleotide variant.
Coding change: c.1495G>A on transcript NM_003906.5 (MANE Select); coding-DNA position 1495, G replaced by A.
Protein change: p.Ala499Thr; replaces alanine 499 with threonine.
Molecular consequence: missense variant.
Genome position (GRCh38, 1-based): chr21:46,280,524, C>T on the plus strand (G>A on the coding strand, the complement: MCM3AP is on the minus strand). VCF-style: chr21-46280524-C-T. GRCh37 (hg19) VCF-style: chr21-47700438-C-T.
Other names: c.1495G>A (NM_003906.3); short protein forms A499T.
Identifiers: ClinVar variation 1472303 (VCV001472303.6), dbSNP rs370454648, ClinGen allele CA10077076.

ClinVar aggregate classification (germline): Uncertain significance. Review status: criteria provided, multiple submitters, no conflicts (2 of 4 stars). 2 submissions from 2 submitters: Uncertain significance (2). Last evaluated 2025-10-24.

Conditions:
Inborn genetic diseases. Identifiers: MedGen C0950123, MeSH D030342.

Allele frequency attached by ClinVar (database versions not stated): gnomAD exomes 0.00003 and 0.00004; ExAC 0.00004; gnomAD 0.00003; TOPMed 0.00006; ESP Exome Variant Server 0.00008.
gnomAD v4.1: 69 of 1,612,220 alleles (0.0043%); highest among the groups gnomAD compares: East Asian, 0.011%; no homozygotes.

Submissions (2):

Ambry Genetics
Classification: Uncertain significance for Inborn genetic diseases. Last evaluated: 2025-10-24. Review status: criteria provided, single submitter. Criteria: Ambry Variant Classification Scheme 2023. Collection method: clinical testing. Allele origin: germline.

Labcorp Genetics (formerly Invitae), Labcorp
Classification: Uncertain significance. Last evaluated: 2024-12-02. Review status: criteria provided, single submitter. Criteria: Invitae Variant Classification Sherloc (09022015). Collection method: clinical testing. Allele origin: germline.
Comment: This sequence change replaces alanine, which is neutral and non-polar, with threonine, which is neutral and polar, at codon 499 of the MCM3AP protein (p.Ala499Thr). This variant is present in population databases (rs370454648, gnomAD 0.01%). This variant has not been reported in the literature in individuals affected with MCM3AP-related conditions. ClinVar contains an entry for this variant (Variation ID: 1472303). An algorithm developed to predict the effect of missense changes on protein structure and function outputs the following: PolyPhen-2: "Benign". The threonine amino acid residue is found in multiple mammalian species, which suggests that this missense change does not adversely affect protein function. In summary, the available evidence is currently insufficient to determine the role of this variant in disease. Therefore, it has been classified as a Variant of Uncertain Significance.